The following is an entry in ClinVar:

ClinVar aggregate classification (germline): Likely benign (0 of 4 stars; one submission).

Conditions:
SCARB1-related disorder. Also called: SCARB1-related condition.

Allele frequency attached by ClinVar (database versions not stated): gnomAD 0.00001; gnomAD exomes 0.00004; ExAC 0.00012.
gnomAD v4.1: 69 of 1,613,774 alleles (0.0043%); highest among the groups gnomAD compares: South Asian, 0.066%; no homozygotes.

Submission:

PreventionGenetics, part of Exact Sciences
Classification: Likely benign for SCARB1-related condition. Last evaluated: 2019-04-25. Review status: no assertion criteria provided. Collection method: clinical testing. Allele origin: germline.
Comment: This variant is classified as likely benign based on ACMG/AMP sequence variant interpretation guidelines (Richards et al. 2015 PMID: 25741868, with internal and published modifications).

NM_005505.5(SCARB1):c.1255-10G>A

Gene: SCARB1 (scavenger receptor class B member 1; minus strand). Cytogenetic location: 12q24.31.
Variant type: single nucleotide variant.
Coding change: c.1255-10G>A on transcript NM_005505.5 (MANE Select); 10 bases into the intron before coding-DNA position 1255, G replaced by A.
Molecular consequence: intron variant.
Genome position (GRCh38, 1-based): chr12:124,786,513, C>T on the plus strand (G>A on the coding strand, the complement: SCARB1 is on the minus strand). VCF-style: chr12-124786513-C-T. GRCh37 (hg19) VCF-style: chr12-125271059-C-T.
Other names: c.853-10G>A (NM_001367988.1); c.1231-10G>A (NM_001367985.1); c.1057-10G>A (NM_001367987.1); c.1255-10G>A (NM_001367986.1, NM_001082959.2, NM_001367984.1 and 2 more transcripts); c.1261-10G>A (NM_001367983.1); c.1132-10G>A (NM_001367982.1).
Identifiers: ClinVar variation 3057962 (VCV003057962.2), dbSNP rs775724383, ClinGen allele CA6870251.